The following is an entry in ClinVar:

NM_018026.4(PACS1):c.1414A>G (p.Ser472Gly)

Gene: PACS1 (phosphofurin acidic cluster sorting protein 1; plus strand). Cytogenetic location: 11q13.2.
Variant type: single nucleotide variant.
Coding change: c.1414A>G on transcript NM_018026.4 (MANE Select); coding-DNA position 1414, A replaced by G.
Protein change: p.Ser472Gly; replaces serine 472 with glycine.
Molecular consequence: missense variant.
Genome position (GRCh38, 1-based): chr11:66,230,587, A>G. VCF-style: chr11-66230587-A-G. GRCh37 (hg19) VCF-style: chr11-65998058-A-G.
Other names: short protein forms S472G.
Identifiers: ClinVar variation 2071581 (VCV002071581.4), dbSNP rs2495580592, ClinGen allele CA381366361.
Genomic context (GRCh38, chr11:66,230,587, plus strand): 5'-GTTTCCTCTCCTCCATGGTAGGAAATCACTGACCAGGACATGTTTGGAGATGCCAGCACG[A>G]GTCTGGTTGTGCCGGAGAAAGTCAAAACTCCCATGAAGTCCAGTAAAACGGATCTCCAGG-3'
Protein context (NP_060496.2, residues 462-482): DQDMFGDAST[Ser472Gly]LVVPEKVKTP

ClinVar aggregate classification (germline): Uncertain significance (1 of 4 stars; one submission).

Conditions:
Schuurs-Hoeijmakers syndrome. Also called: PACS1-Related Neurodevelopmental Disorder. Identifiers: Orphanet 329224, MedGen C3554343, MONDO:0014006, OMIM 615009.

Allele frequency attached by ClinVar (database versions not stated): gnomAD exomes below 0.00001.
gnomAD v4.1: 2 of 1,614,168 alleles (0.00012%); highest among the groups gnomAD compares: Non-Finnish European, 0.00017%; no homozygotes.

Submission:

Labcorp Genetics (formerly Invitae), Labcorp
Classification: Uncertain significance for Schuurs-Hoeijmakers syndrome. Last evaluated: 2022-03-14. Review status: criteria provided, single submitter. Criteria: Invitae Variant Classification Sherloc (09022015). Collection method: clinical testing. Allele origin: germline.
Comment: This variant is not present in population databases (gnomAD no frequency). This sequence change replaces serine, which is neutral and polar, with glycine, which is neutral and non-polar, at codon 472 of the PACS1 protein (p.Ser472Gly). This variant has not been reported in the literature in individuals affected with PACS1-related conditions. Algorithms developed to predict the effect of missense changes on protein structure and function (SIFT, PolyPhen-2, Align-GVGD) all suggest that this variant is likely to be tolerated. In summary, the available evidence is currently insufficient to determine the role of this variant in disease. Therefore, it has been classified as a Variant of Uncertain Significance.